The following is an entry in ClinVar:

ClinVar aggregate classification (germline): Uncertain significance (1 of 4 stars; one submission).

gnomAD v4.1: 1 of 1,549,956 alleles (0.000065%); highest among the groups gnomAD compares: Admixed American, 0.002%; no homozygotes.

Submission:

Women's Health and Genetics/Laboratory Corporation of America, LabCorp
Classification: Uncertain significance. Last evaluated: 2025-07-15. Review status: criteria provided, single submitter. Criteria: LabCorp Variant Classification Summary - May 2015. Collection method: clinical testing. Allele origin: germline.
Comment: Variant summary: MESP2 c.385A>G (p.Ile129Val) results in a conservative amino acid change in the encoded protein sequence. Algorithms developed to predict the effect of missense changes on protein structure and function are either unavailable or do not agree on the potential impact of this missense change. The variant allele was found at a frequency of 5.8e-06 in 173200 control chromosomes. The available data on variant occurrences in the general population are insufficient to allow any conclusion about variant significance. To our knowledge, no occurrence of c.385A>G in individuals affected with Spondylocostal Dysostosis 2 and no experimental evidence demonstrating its impact on protein function have been reported. No submitters have cited clinical-significance assessments for this variant to ClinVar. Based on the evidence outlined above, the variant was classified as uncertain significance.

NM_001039958.2(MESP2):c.385A>G (p.Ile129Val)

Genes: MESP2 (mesoderm posterior bHLH transcription factor 2; plus strand), LOC130057891 (ATAC-STARR-seq lymphoblastoid silent region 6806; plus strand). Cytogenetic location: 15q26.1.
Variant type: single nucleotide variant.
Coding change: c.385A>G on transcript NM_001039958.2 (MANE Select); coding-DNA position 385, A replaced by G.
Protein change: p.Ile129Val; replaces isoleucine 129 with valine.
Molecular consequence: missense variant.
Genome position (GRCh38, 1-based): chr15:89,776,742, A>G. VCF-style: chr15-89776742-A-G. GRCh37 (hg19) VCF-style: chr15-90319973-A-G.
Other names: short protein forms I129V.
Identifiers: ClinVar variation 4525901 (VCV004525901.1).